The following is an entry in ClinVar:

ClinVar aggregate classification (germline): Uncertain significance. Review status: criteria provided, multiple submitters, no conflicts (2 of 4 stars). 6 submissions from 6 submitters: Uncertain significance (5). 1 of the submissions does not count toward it. Last evaluated 2026-04-17.

Conditions:
VWF-related disorder. Also called: VWF-related condition; VWF-related disorders.
von Willebrand disease type 2 (VWD2). Also called: VWD, TYPE 2; VON WILLEBRAND DISEASE, TYPE II; VON WILLEBRAND DISEASE, TYPE 2A/IIE; VON WILLEBRAND DISEASE, TYPE 2CB. Identifiers: Orphanet 166081, Orphanet 903, MedGen C1264040, MONDO:0013304, OMIM 613554.
von Willebrand disease type 3 (VWD3). Also called: Type 3 Von Willebrand's disease; Type 3 VWD; Von Willebrand disease, severe form; V WD3; VON WILLEBRAND DISEASE, TYPE III. Identifiers: Orphanet 166096, MedGen C1264041, MONDO:0010191, OMIM 277480.
von Willebrand disease type 1 (VWD1). Also called: VWD, TYPE 1; VON WILLEBRAND DISEASE, TYPE I. Identifiers: Orphanet 166078, Orphanet 903, MedGen C1264039, MONDO:0008668, OMIM 193400. Inheritance: autosomal recessive or autosomal dominant.
Thrombocytopenia. Identifiers: MedGen C0040034, MeSH D013921, MONDO:0002049, HP:0001873.
Abnormal bleeding. Also called: Bleeding diathesis. Identifiers: MedGen C1458140, HP:0001892.

Allele frequency attached by ClinVar (database versions not stated): gnomAD exomes 0.00007 and 0.00027; ESP Exome Variant Server 0.00008; gnomAD 0.00011 and 0.00017; ExAC 0.00016; TOPMed 0.00019; 1000 Genomes Project 0.00140; 1000 Genomes Project 30x 0.00141.
gnomAD v4.1: 139 of 1,613,854 alleles (0.0086%); highest among the groups gnomAD compares: East Asian, 0.2%; no homozygotes.

Submissions (6):

PreventionGenetics, part of Exact Sciences
Classification: Uncertain significance for VWF-related condition. Last evaluated: 2026-04-17. Review status: criteria provided, single submitter. Criteria: ACMG Guidelines, 2015. Collection method: clinical testing. Allele origin: germline.
Comment: The VWF c.3365C>T variant is predicted to result in the amino acid substitution p.Thr1122Met. This variant was reported in two individuals with von Willebrand disease, along with one or more additional potentially causative variants (Liang. 2017. PubMed ID: 28536718; Ouyang. 2021. PubMed ID: 34490048). This variant is reported in 0.32% of alleles in individuals of East Asian descent in gnomAD. At this time, the clinical significance of this variant is uncertain due to the absence of conclusive functional and genetic evidence.

Women's Health and Genetics/Laboratory Corporation of America, LabCorp
Classification: Uncertain significance. Last evaluated: 2026-03-04. Review status: criteria provided, single submitter. Criteria: LabCorp Variant Classification Summary - May 2015. Collection method: clinical testing. Allele origin: germline.
Comment: Variant summary: VWF c.3365C>T (p.Thr1122Met) results in a non-conservative amino acid change in the encoded protein sequence. Algorithms developed to predict the effect of missense changes on protein structure and function all suggest that this variant is likely to be disruptive. The variant allele was found at a frequency of 8.6e-05 in 1613854 control chromosomes, predominantly at a frequency of 0.002 within the East Asian subpopulation in the gnomAD database. This frequency is not significantly higher than estimated for disease-causing variants in VWF, allowing no conclusion about variant significance. c.3365C>T has been observed in individuals affected with Von Willebrand Disease or with unspecified bleeding disorders, without strong evidence for causality (e.g. Liang_2017, Almazni_2020, Ouyang_2021). These reports do not provide unequivocal conclusions about association of the variant with Von Willebrand Disease. To our knowledge, no experimental evidence demonstrating an impact on protein function has been reported. The following publications have been ascertained in the context of this evaluation (PMID: 32935436, 28536718, 34490048). ClinVar contains an entry for this variant (Variation ID: 453122). Based on the evidence outlined above, the variant was classified as uncertain significance.

Blueprint Genetics
Classification: Uncertain significance. Last evaluated: 2023-10-06. Review status: criteria provided, single submitter. Criteria: ACMG Guidelines, 2015. Collection method: clinical testing. Allele origin: germline.

Fulgent Genetics
Classification: Uncertain significance for von Willebrand disease type 1; von Willebrand disease type 3; von Willebrand disease type 2. Last evaluated: 2021-11-29. Review status: criteria provided, single submitter. Criteria: ACMG Guidelines, 2015. Collection method: clinical testing. Allele origin: unknown.

GeneDx
Classification: Uncertain significance. Last evaluated: 2017-11-06. Review status: criteria provided, single submitter. Criteria: GeneDx Variant Classification (06012015). Collection method: clinical testing. Allele origin: germline. Affected: yes.
Comment: The VWF variant in the T1122M gene has been reported previously in an individual with von Willebrand disease type 2N, however no additional information was provided in this abstract (Yang et al., 2012). The T1122M variant is observed in 54/18798 (0.29%) alleles from individuals of East Asian background, in large population cohorts (Lek et al., 2016). The T1122M variant is a non-conservative amino acid substitution, which is likely to impact secondary protein structure as these residues differ in polarity, charge, size and/or other properties. In-silico analyses, including protein predictors and evolutionary conservation, support a deleterious effect. We interpret T1122M as a variant of uncertain significance.

Birmingham Platelet Group; University of Birmingham
Classification: Uncertain significance for Thrombocytopenia; Abnormal bleeding. Last evaluated: 2020-05-01. Review status: no assertion criteria provided. Collection method: research. Allele origin: germline. Affected: yes. Not counted in ClinVar's aggregate classification.

Literature cited by the submitters: PubMed 32935436 (cited by Women's Health and Genetics/Laboratory Corporation of America, LabCorp); PubMed 28536718 (cited by Women's Health and Genetics/Laboratory Corporation of America, LabCorp); PubMed 34490048 (cited by Women's Health and Genetics/Laboratory Corporation of America, LabCorp).

NM_000552.5(VWF):c.3365C>T (p.Thr1122Met)

Gene: VWF (von Willebrand factor; minus strand). Cytogenetic location: 12p13.31.
Variant type: single nucleotide variant.
Coding change: c.3365C>T on transcript NM_000552.5 (MANE Select); coding-DNA position 3365, C replaced by T.
Protein change: p.Thr1122Met; replaces threonine 1122 with methionine.
Molecular consequence: missense variant.
Genome position (GRCh38, 1-based): chr12:6,023,645, G>A on the plus strand (C>T on the coding strand, the complement: VWF is on the minus strand). VCF-style: chr12-6023645-G-A. GRCh37 (hg19) VCF-style: chr12-6132811-G-A.
Other names: c.3365C>T (NM_000552.4); short protein forms T1122M.
Identifiers: ClinVar variation 453122 (VCV000453122.7), dbSNP rs183119284, ClinGen allele CA6402770.